The following is an entry in ClinVar:

ClinVar aggregate classification (germline): Uncertain significance. Review status: criteria provided, multiple submitters, no conflicts (2 of 4 stars). 2 submissions from 2 submitters: Uncertain significance (2). Last evaluated 2025-12-19.

Allele frequency attached by ClinVar (database versions not stated): gnomAD 0.00004 and 0.00006; ExAC 0.00010; gnomAD exomes 0.00010 and 0.00011.
gnomAD v4.1: 171 of 1,614,122 alleles (0.011%); highest among the groups gnomAD compares: East Asian, 0.038%; no homozygotes.

Submissions (2):

Labcorp Genetics (formerly Invitae), Labcorp
Classification: Uncertain significance. Last evaluated: 2025-12-19. Review status: criteria provided, single submitter. Criteria: Invitae Variant Classification Sherloc (09022015). Collection method: clinical testing. Allele origin: germline.
Comment: This sequence change replaces glycine, which is neutral and non-polar, with serine, which is neutral and polar, at codon 905 of the DSCAML1 protein (p.Gly905Ser). This variant is present in population databases (rs147541992, gnomAD 0.03%). This variant has not been reported in the literature in individuals affected with DSCAML1-related conditions. ClinVar contains an entry for this variant (Variation ID: 1441488). An algorithm developed to predict the effect of missense changes on protein structure and function (PolyPhen-2) suggests that this variant is likely to be tolerated. In summary, the available evidence is currently insufficient to determine the role of this variant in disease. Therefore, it has been classified as a Variant of Uncertain Significance.

Ambry Genetics
Classification: Uncertain significance. Last evaluated: 2024-03-25. Review status: criteria provided, single submitter. Criteria: Ambry Variant Classification Scheme 2023. Collection method: clinical testing. Allele origin: germline.

NM_020693.4(DSCAML1):c.2533G>A (p.Gly845Ser)

Gene: DSCAML1 (DS cell adhesion molecule like 1; minus strand). Cytogenetic location: 11q23.3.
Variant type: single nucleotide variant.
Coding change: c.2533G>A on transcript NM_020693.4 (MANE Select); coding-DNA position 2533, G replaced by A.
Protein change: p.Gly845Ser; replaces glycine 845 with serine.
Molecular consequence: missense variant.
Genome position (GRCh38, 1-based): chr11:117,481,989, C>T on the plus strand (G>A on the coding strand, the complement: DSCAML1 is on the minus strand). VCF-style: chr11-117481989-C-T. GRCh37 (hg19) VCF-style: chr11-117352704-C-T.
Other names: c.2533G>A, p.Gly845Ser (NM_001367904.1); c.2713G>A (NM_020693.2); short protein forms G845S.
Identifiers: ClinVar variation 1441488 (VCV001441488.7), dbSNP rs147541992, ClinGen allele CA6296983.